The following is an entry in ClinVar:

ClinVar aggregate classification (germline): Uncertain significance (1 of 4 stars; one submission).

Conditions:
Mucopolysaccharidosis, MPS-IV-A (MPS4A). Also called: Morquio syndrome A, mild; MORQUIO SYNDROME A; GALACTOSAMINE-6-SULFATASE DEFICIENCY; GALNS DEFICIENCY; MORQUIO A DISEASE; Mucopolysaccharidosis type IV A. Identifiers: Orphanet 309297, Orphanet 582, MedGen C0086651, MONDO:0009659, OMIM 253000.

Submission:

Labcorp Genetics (formerly Invitae), Labcorp
Classification: Uncertain significance for Mucopolysaccharidosis, MPS-IV-A. Last evaluated: 2025-10-02. Review status: criteria provided, single submitter. Criteria: Invitae Variant Classification Sherloc (09022015). Collection method: clinical testing. Allele origin: germline.
Comment: This sequence change replaces leucine, which is neutral and non-polar, with proline, which is neutral and non-polar, at codon 339 of the GALNS protein (p.Leu339Pro). This variant is not present in population databases (gnomAD no frequency). This variant has not been reported in the literature in individuals affected with GALNS-related conditions. ClinVar contains an entry for this variant (Variation ID: 3682545). Invitae Evidence Modeling of protein sequence and biophysical properties (such as structural, functional, and spatial information, amino acid conservation, physicochemical variation, residue mobility, and thermodynamic stability) has been performed for this missense variant. However, the output from this modeling did not meet the statistical confidence thresholds required to predict the impact of this variant on GALNS protein function. In summary, the available evidence is currently insufficient to determine the role of this variant in disease. Therefore, it has been classified as a Variant of Uncertain Significance.

NM_000512.5(GALNS):c.1016T>C (p.Leu339Pro)

Gene: GALNS (galactosamine (N-acetyl)-6-sulfatase; minus strand). Cytogenetic location: 16q24.3.
Variant type: single nucleotide variant.
Coding change: c.1016T>C on transcript NM_000512.5 (MANE Select); coding-DNA position 1016, T replaced by C.
Protein change: p.Leu339Pro; replaces leucine 339 with proline.
Molecular consequence: missense variant.
Genome position (GRCh38, 1-based): chr16:88,826,825, A>G on the plus strand (T>C on the coding strand, the complement: GALNS is on the minus strand). VCF-style: chr16-88826825-A-G. GRCh37 (hg19) VCF-style: chr16-88893233-A-G.
Other names: c.461T>C, p.Leu154Pro (NM_001323543.2); c.1034T>C, p.Leu345Pro (NM_001323544.2); short protein forms L339P, L345P, L154P.
Identifiers: ClinVar variation 3682545 (VCV003682545.2).